The following is an entry in ClinVar:

NM_020778.5(ALPK3):c.1828G>A (p.Val610Met)

Gene: ALPK3 (alpha kinase 3; plus strand). Cytogenetic location: 15q25.3.
Variant type: single nucleotide variant.
Coding change: c.1828G>A on transcript NM_020778.5 (MANE Select); coding-DNA position 1828, G replaced by A.
Protein change: p.Val610Met; replaces valine 610 with methionine.
Molecular consequence: missense variant.
Genome position (GRCh38, 1-based): chr15:84,856,566, G>A. VCF-style: chr15-84856566-G-A. GRCh37 (hg19) VCF-style: chr15-85399797-G-A.
Other names: short protein forms V812M, V610M.
Identifiers: ClinVar variation 504883 (VCV000504883.19), dbSNP rs374911318, ClinGen allele CA7709297.

ClinVar aggregate classification (germline): Conflicting classifications of pathogenicity. Review status: criteria provided, conflicting classifications (1 of 4 stars). 6 submissions from 6 submitters: Likely pathogenic (1); Uncertain significance (5). Last evaluated 2026-02-23.

Conditions:
ALPK3-related disorder. Also called: ALPK3-related condition.
Cardiovascular phenotype. Identifiers: MedGen CN230736.

Allele frequency attached by ClinVar (database versions not stated): ExAC 0.00002; gnomAD exomes 0.00002 and 0.00009; TOPMed 0.00002; gnomAD 0.00003; ESP Exome Variant Server 0.00008.
gnomAD v4.1: 135 of 1,614,070 alleles (0.0084%); highest among the groups gnomAD compares: Non-Finnish European, 0.011%; no homozygotes.

Submissions (6):

Women's Health and Genetics/Laboratory Corporation of America, LabCorp
Classification: Uncertain significance. Last evaluated: 2026-02-23. Review status: criteria provided, single submitter. Criteria: LabCorp Variant Classification Summary - May 2015. Collection method: clinical testing. Allele origin: germline.
Comment: Variant summary: ALPK3 c.1828G>A (p.Val610Met) results in a conservative amino acid change in the encoded protein sequence. Algorithms developed to predict the effect of missense changes on protein structure and function all suggest that this variant is likely to be tolerated. The variant allele was found at a frequency of 1.6e-05 in 251368 control chromosomes. c.1828G>A has been observed in compound heterozygous and heterozygous individual(s) affected with Cardiomyopathy (Herkert_2020, van Lint_2019). These data indicate that the variant may be associated with disease. To our knowledge, no experimental evidence demonstrating an impact on protein function has been reported. The following publications have been ascertained in the context of this evaluation (PMID: 36321451, 32480058, 30847666). ClinVar contains an entry for this variant (Variation ID: 504883). Based on the evidence outlined above, the variant was classified as VUS-possibly pathogenic.

PreventionGenetics, part of Exact Sciences
Classification: Uncertain significance for ALPK3-related condition. Last evaluated: 2025-11-17. Review status: criteria provided, single submitter. Criteria: ACMG Guidelines, 2015. Collection method: clinical testing. Allele origin: germline.
Comment: The ALPK3 c.2434G>A variant is predicted to result in the amino acid substitution p.Val812Met. This variant has been reported in the heterozygous state in an individual with dilated cardiomyopathy (DCM) (Table S2, van Lint et al. 2019. PubMed ID: 30847666) and in the compound heterozygous state with an ALPK3 nonsense variant in two siblings with DCM and progressive left ventricular hypertrophy (Herkert et al. 2020. PubMed ID: 32480058). This variant is reported in 0.0039% of alleles in individuals of European (non-Finnish) descent in gnomAD. At this time, the clinical significance of this variant is uncertain due to the absence of conclusive functional and genetic evidence.

Labcorp Genetics (formerly Invitae), Labcorp
Classification: Likely pathogenic. Last evaluated: 2025-10-23. Review status: criteria provided, single submitter. Criteria: Invitae Variant Classification Sherloc (09022015). Collection method: clinical testing. Allele origin: germline.
Comment: This sequence change replaces valine, which is neutral and non-polar, with methionine, which is neutral and non-polar, at codon 812 of the ALPK3 protein (p.Val812Met). This variant is present in population databases (rs374911318, gnomAD 0.004%). This missense change has been observed in individual(s) with ALPK3-related disease (PMID: 32480058). In at least one individual the data is consistent with being in trans (on the opposite chromosome) from a pathogenic variant. It has also been observed to segregate with disease in related individuals. ClinVar contains an entry for this variant (Variation ID: 504883). Invitae Evidence Modeling of protein sequence and biophysical properties (such as structural, functional, and spatial information, amino acid conservation, physicochemical variation, residue mobility, and thermodynamic stability) indicates that this missense variant is not expected to disrupt ALPK3 protein function with a negative predictive value of 80%. In summary, the currently available evidence indicates that the variant is pathogenic, but additional data are needed to prove that conclusively. Therefore, this variant has been classified as Likely Pathogenic.

Ambry Genetics
Classification: Uncertain significance for Cardiovascular phenotype. Last evaluated: 2024-12-13. Review status: criteria provided, single submitter. Criteria: Ambry Variant Classification Scheme 2023. Collection method: clinical testing. Allele origin: germline.
Comment: The p.V812M variant (also known as c.2434G>A), located in coding exon 6 of the ALPK3 gene, results from a G to A substitution at nucleotide position 2434. The valine at codon 812 is replaced by methionine, an amino acid with highly similar properties. This variant was detected in two siblings diagnosed with neonatal-onset cardiomyopathy who both also had a truncating ALPK3 variant in trans (Herkert JC et al. Am. Heart J., 2020 07;225:108-119). Additionally, this variant was detected as heterozygous in a cardiomyopathy genetic testing cohort; however, clinical details were limited. (van Lint FHM et al. Neth Heart J, 2019 Jun;27:304-309). This amino acid position is poorly conserved in available vertebrate species. In addition, this alteration is predicted to be tolerated by in silico analysis. Since supporting evidence is limited at this time, the clinical significance of this alteration remains unclear.

GeneDx
Classification: Uncertain significance. Last evaluated: 2024-02-07. Review status: criteria provided, single submitter. Criteria: GeneDx Variant Classification Process June 2021. Collection method: clinical testing. Allele origin: germline. Affected: yes.
Comment: Identified in the heterozygous and compound heterozygous state in patients with DCM (PMID: 32480058, 30847666); Not observed at significant frequency in large population cohorts (gnomAD); In silico analysis supports that this missense variant does not alter protein structure/function; Also known as p.(V812M); This variant is associated with the following publications: (PMID: 30847666, 32480058, 33076350)

Laboratory for Molecular Medicine, Mass General Brigham Personalized Medicine
Classification: Uncertain significance. Last evaluated: 2017-07-03. Review status: criteria provided, single submitter. Criteria: LMM Criteria. Collection method: clinical testing. Allele origin: germline. Observed: 1 variant allele.
Comment: Variant classified as Uncertain Significance - Favor Benign. The p.Val812Met var iant in ALPK3 has not been reported in any other families with cardiomyopathy, b ut has been identified in 5/126652 European chromosomes by the Genome Aggregatio n Database (gnomAD; dbSNP rs374911318). Valine (Val) at position 812 is not evolutionarily conserved and 3 mammals (bushbaby, Chinese tree shrew, and Weddell seal) carry a methionine (Met) at this position, raising the possibility that this change may be tolerated. In summary, while th e clinical significance of the p.Val812Met variant is uncertain, its identificat ion in other species suggests that it is more likely to be benign.

Literature cited by the submitters: PubMed 30847666 (cited by Women's Health and Genetics/Laboratory Corporation of America, LabCorp and Ambry Genetics); PubMed 32480058 (cited by 3 submitters); PubMed 36321451 (cited by Women's Health and Genetics/Laboratory Corporation of America, LabCorp).